The following is an entry in ClinVar:

NM_000540.3(RYR1):c.4066G>C (p.Ala1356Pro)

Gene: RYR1 (ryanodine receptor 1; plus strand). Cytogenetic location: 19q13.2.
Variant type: single nucleotide variant.
Coding change: c.4066G>C on transcript NM_000540.3 (MANE Select); coding-DNA position 4066, G replaced by C.
Protein change: p.Ala1356Pro; replaces alanine 1356 with proline.
Molecular consequence: missense variant.
Genome position (GRCh38, 1-based): chr19:38,473,677, G>C. VCF-style: chr19-38473677-G-C. GRCh37 (hg19) VCF-style: chr19-38964317-G-C.
Other names: c.4066G>C, p.Ala1356Pro (NM_001042723.2); short protein forms A1356P.
Identifiers: ClinVar variation 3069321 (VCV003069321.2), dbSNP rs933347966, ClinGen allele CA405642899.

ClinVar aggregate classification (germline): Uncertain significance. Review status: criteria provided, multiple submitters, no conflicts (2 of 4 stars). 2 submissions from 2 submitters: Uncertain significance (2). Last evaluated 2024-03-06.

Conditions:
Malignant hyperthermia, susceptibility to, 1 (MHS1). Also called: RYR1-Related Malignant Hyperthermia Susceptibility; Anesthesia related hyperthermia; Malignant hyperpyrexia; Fulminating hyperpyrexia; Pharmacogenic myopathy; Malignant hyperthermia suceptibility 1. Identifiers: Orphanet 423, MedGen C2930980, MONDO:0007783, OMIM 145600.

gnomAD v4.1: 5 of 1,550,758 alleles (0.00032%); highest among the groups gnomAD compares: African/African-American, 0.0041%; no homozygotes.

Submissions (2):

Color Diagnostics, LLC DBA Color Health
Classification: Uncertain significance for Malignant hyperthermia, susceptibility to, 1. Last evaluated: 2024-03-06. Review status: criteria provided, single submitter. Criteria: ACMG Guidelines, 2015. Collection method: clinical testing. Allele origin: germline.
Comment: This missense variant replaces alanine with proline at codon 1356 of the RYR1 protein. Computational prediction suggests that this variant may not impact protein structure and function. To our knowledge, functional studies have not been reported for this variant. This variant has not been reported in individuals affected with RYR1-related disorders in the literature. This variant has been identified in 2/144318 chromosomes in the general population by the Genome Aggregation Database (gnomAD). The available evidence is insufficient to determine the role of this variant in disease conclusively. Therefore, this variant is classified as a Variant of Uncertain Significance.

All of Us Research Program, National Institutes of Health
Classification: Uncertain significance for Malignant hyperthermia, susceptibility to, 1. Last evaluated: 2023-11-02. Review status: criteria provided, single submitter. Criteria: ACMG Guidelines, 2015. Collection method: clinical testing. Allele origin: germline. Inheritance: Autosomal dominant inheritance. Observed: 2 variant alleles, 2 heterozygotes.
Comment: This missense variant replaces alanine with proline at codon 1356 of the RYR1 protein. Computational prediction suggests that this variant may not impact protein structure and function (internally defined REVEL score threshold <= 0.5, PMID: 27666373). To our knowledge, functional studies have not been reported for this variant. This variant has not been reported in individuals affected with RYR1-related disorders in the literature. This variant has been identified in 2/144318 chromosomes in the general population by the Genome Aggregation Database (gnomAD). The available evidence is insufficient to determine the role of this variant in disease conclusively. Therefore, this variant is classified as a Variant of Uncertain Significance.

This study involves interpretation of variants in research participants for the purpose of population health screening. Participant phenotype was not available at the time of variant classification. Additional details can be found in publication PMID: 35346344, PMCID: PMC8962531